The following is an entry in ClinVar:

NM_014989.7(RIMS1):c.32G>A (p.Arg11His)

Gene: RIMS1 (regulating synaptic membrane exocytosis 1; plus strand). Cytogenetic location: 6q13.
Variant type: single nucleotide variant.
Coding change: c.32G>A on transcript NM_014989.7 (MANE Select); coding-DNA position 32, G replaced by A.
Protein change: p.Arg11His; replaces arginine 11 with histidine.
Molecular consequence: missense variant.
Genome position (GRCh38, 1-based): chr6:71,887,055, G>A. VCF-style: chr6-71887055-G-A. GRCh37 (hg19) VCF-style: chr6-72596758-G-A.
Other names: c.32G>A, p.Arg11His (NM_001350411.1, NM_001350412.1, NM_001350413.1); short protein forms R11H.
Identifiers: ClinVar variation 1410804 (VCV001410804.6), dbSNP rs1335808918, ClinGen allele CA364817704.

ClinVar aggregate classification (germline): Uncertain significance (1 of 4 stars; one submission).

Submission:

Labcorp Genetics (formerly Invitae), Labcorp
Classification: Uncertain significance. Last evaluated: 2021-08-11. Review status: criteria provided, single submitter. Criteria: Invitae Variant Classification Sherloc (09022015). Collection method: clinical testing. Allele origin: germline.
Comment: In summary, the available evidence is currently insufficient to determine the role of this variant in disease. Therefore, it has been classified as a Variant of Uncertain Significance. This sequence change replaces arginine with histidine at codon 11 of the RIMS1 protein (p.Arg11His). The arginine residue is moderately conserved and there is a small physicochemical difference between arginine and histidine. This variant is not present in population databases (ExAC no frequency). This variant has not been reported in the literature in individuals affected with RIMS1-related conditions. Algorithms developed to predict the effect of missense changes on protein structure and function are either unavailable or do not agree on the potential impact of this missense change (SIFT: "Deleterious"; PolyPhen-2: "Possibly Damaging"; Align-GVGD: "Class C0").